The following is an entry in ClinVar:

ClinVar aggregate classification (germline): Uncertain significance (1 of 4 stars; one submission).

gnomAD v4.1: 45 of 1,587,624 alleles (0.0028%); highest among the groups gnomAD compares: African/African-American, 0.021%; no homozygotes.

Submission:

Dasa
Classification: Uncertain significance. Last evaluated: 2025-11-10. Review status: criteria provided, single submitter. Criteria: DASA Assertion Criteria. Collection method: clinical testing. Allele origin: germline.
Comment: NM_021096.4(CACNA1I):c.2145-5C>T is a splice-region variant. This variant is rare in population databases. Computational prediction algorithms are consistent with a benign effect. The currently available literature and clinical evidence are not sufficient to establish a definitive association between this variant and the reported condition. Therefore, this variant is classified as a variant of uncertain significance.

NM_021096.4(CACNA1I):c.2145-5C>T

Gene: CACNA1I (calcium voltage-gated channel subunit alpha1 I; plus strand). Cytogenetic location: 22q13.1.
Variant type: single nucleotide variant.
Coding change: c.2145-5C>T on transcript NM_021096.4 (MANE Select); 5 bases into the intron before coding-DNA position 2145, C replaced by T.
Molecular consequence: intron variant.
Genome position (GRCh38, 1-based): chr22:39,658,926, C>T. VCF-style: chr22-39658926-C-T. GRCh37 (hg19) VCF-style: chr22-40054931-C-T.
Other names: c.2040-5C>T (NM_001003406.2).
Identifiers: ClinVar variation 4886228 (VCV004886228.2).